The following is an entry in ClinVar:

NM_001165963.4(SCN1A):c.4002+2600A>G

Genes: SCN1A (sodium voltage-gated channel alpha subunit 1; minus strand), LOC102724058 (uncharacterized LOC102724058; plus strand). Cytogenetic location: 2q24.3.
Variant type: single nucleotide variant.
Coding change: c.4002+2600A>G on transcript NM_001165963.4 (MANE Select); 2600 bases into the intron after coding-DNA position 4002, A replaced by G.
Molecular consequence: intron variant.
Genome position (GRCh38, 1-based): chr2:166,007,119, T>C on the plus strand (A>G on the coding strand, the complement: SCN1A is on the minus strand). VCF-style: chr2-166007119-T-C. GRCh37 (hg19) VCF-style: chr2-166863629-T-C.
Other names: c.3969+2600A>G (NM_001353949.2, NM_001353950.2, NM_001353951.2 and 2 more transcripts); c.3918+2600A>G (NM_001353958.2, NM_001353957.2, NM_001165964.3); c.4002+2600A>G (NM_001202435.3, NM_001353948.2); c.3966+2600A>G (NM_001353955.2, NM_001353954.2); c.3915+2600A>G (NM_001353960.2); c.1560+2600A>G (NM_001353961.2).
Identifiers: ClinVar variation 2125750 (VCV002125750.4), dbSNP rs1396428369, ClinGen allele CA2580064259.

ClinVar aggregate classification (germline): Uncertain significance (1 of 4 stars; one submission).

Conditions:
Early-infantile DEE. Also called: Early infantile epileptic encephalopathy; Ohtahara syndrome; Early infantile epileptic encephalopathy with suppression bursts. Identifiers: Orphanet 1934, MedGen C0393706, MONDO:0800491.

Submission:

Labcorp Genetics (formerly Invitae), Labcorp
Classification: Uncertain significance for Early-infantile DEE. Last evaluated: 2024-05-15. Review status: criteria provided, single submitter. Criteria: Invitae Variant Classification Sherloc (09022015). Collection method: clinical testing. Allele origin: germline.
Comment: This sequence change falls in intron 20 of the SCN1A gene. It does not directly change the encoded amino acid sequence of the SCN1A protein. However, this sequence change falls within a region encompassing a cryptic exon in the SCN1A gene, in which variants have been shown to alter splicing (PMID: 30526861, 34107977). This variant is not present in population databases (gnomAD no frequency). This variant has not been reported in the literature in individuals affected with SCN1A-related conditions. ClinVar contains an entry for this variant (Variation ID: 2125750). Algorithms developed to predict the effect of sequence changes on RNA splicing suggest that this variant is not likely to affect RNA splicing. In summary, the available evidence is currently insufficient to determine the role of this variant in disease. Therefore, it has been classified as a Variant of Uncertain Significance.

Literature cited by the submitters: PubMed 30526861; PubMed 34107977.